The following is an entry in ClinVar:

NM_001385125.1(OPN1SW):c.301C>G (p.Arg101Gly)

Gene: OPN1SW (opsin 1, short wave sensitive; minus strand). Cytogenetic location: 7q32.1.
Variant type: single nucleotide variant.
Coding change: c.301C>G on transcript NM_001385125.1 (MANE Select); coding-DNA position 301, C replaced by G.
Protein change: p.Arg101Gly; replaces arginine 101 with glycine.
Molecular consequence: missense variant.
Genome position (GRCh38, 1-based): chr7:128,775,481, G>C on the plus strand (C>G on the coding strand, the complement: OPN1SW is on the minus strand). VCF-style: chr7-128775481-G-C. GRCh37 (hg19) VCF-style: chr7-128415535-G-C.
Other names: NM_001708.2:c.310C>G; short protein forms R101G.
Identifiers: ClinVar variation 1135020 (VCV001135020.11), dbSNP rs149847165, ClinGen allele CA4472988.

ClinVar aggregate classification (germline): Likely benign. Review status: criteria provided, multiple submitters, no conflicts (2 of 4 stars). 3 submissions from 3 submitters: Likely benign (3). Last evaluated 2026-06-28.

Conditions:
OPN1SW-related disorder. Also called: OPN1SW-related condition.

Allele frequency attached by ClinVar (database versions not stated): 1000 Genomes Project 0.00040; 1000 Genomes Project 30x 0.00047.
gnomAD v4.1: 401 of 1,613,792 alleles (0.025%); highest among the groups gnomAD compares: Admixed American, 0.64%; 8 homozygotes.

Submissions (3):

PreventionGenetics, part of Exact Sciences
Classification: Likely benign for OPN1SW-related condition. Last evaluated: 2026-06-28. Review status: criteria provided, single submitter. Criteria: ACMG Guidelines, 2015. Collection method: clinical testing. Allele origin: germline.
Comment: This variant is classified as likely benign based on ACMG/AMP sequence variant interpretation guidelines (Richards et al. 2015 PMID: 25741868, with internal and published modifications).

Labcorp Genetics (formerly Invitae), Labcorp
Classification: Likely benign. Last evaluated: 2025-10-18. Review status: criteria provided, single submitter. Criteria: Invitae Variant Classification Sherloc (09022015). Collection method: clinical testing. Allele origin: germline.

Blueprint Genetics
Classification: Likely benign. Last evaluated: 2024-02-16. Review status: criteria provided, single submitter. Criteria: ACMG Guidelines, 2015. Collection method: clinical testing. Allele origin: germline.